The following is an entry in ClinVar:

NM_001267550.2(TTN):c.63770T>C (p.Val21257Ala)

Genes: TTN (titin; minus strand), TTN-AS1 (TTN antisense RNA 1; plus strand). Cytogenetic location: 2q31.2.
Variant type: single nucleotide variant.
Coding change: c.63770T>C on transcript NM_001267550.2 (MANE Select); coding-DNA position 63770, T replaced by C.
Protein change: p.Val21257Ala; replaces valine 21257 with alanine.
Molecular consequence: missense variant.
Genome position (GRCh38, 1-based): chr2:178,587,539, A>G on the plus strand (T>C on the coding strand, the complement: TTN is on the minus strand). VCF-style: chr2-178587539-A-G. GRCh37 (hg19) VCF-style: chr2-179452266-A-G.
Other names: c.58847T>C, p.Val19616Ala (NM_001256850.1); c.36575T>C, p.Val12192Ala (NM_003319.4); c.56066T>C, p.Val18689Ala (NM_133378.4); c.36950T>C, p.Val12317Ala (NM_133432.3); c.37151T>C, p.Val12384Ala (NM_133437.4); short protein forms V12192A, V21257A, V19616A, V12317A, V18689A, V12384A.
Identifiers: ClinVar variation 519129 (VCV000519129.5), dbSNP rs1553637142, ClinGen allele CA349449405.

ClinVar aggregate classification (germline): Uncertain significance (1 of 4 stars; one submission).

Conditions:
Cardiovascular phenotype. Identifiers: MedGen CN230736.

Submission:

Ambry Genetics
Classification: Uncertain significance for Cardiovascular phenotype. Last evaluated: 2016-10-04. Review status: criteria provided, single submitter. Criteria: Ambry Variant Classification Scheme 2023. Collection method: clinical testing. Allele origin: germline.
Comment: The p.V12192A variant (also known as c.36575T>C), located in coding exon 133 of the TTN gene, results from a T to C substitution at nucleotide position 36575, and is located in the A-band region of the N2-B isoform of the titin protein. The valine at codon 12192 is replaced by alanine, an amino acid with similar properties. This variant was not reported in population based cohorts in the following databases: Database of Single Nucleotide Polymorphisms (dbSNP), NHLBI Exome Sequencing Project (ESP), and 1000 Genomes Project. In the ESP, this variant was not observed in 5971 samples (11942 alleles) with coverage at this position. This amino acid position is well conserved in available vertebrate species. In addition, this alteration is predicted to be tolerated by in silico analysis. Since supporting evidence is limited at this time, the clinical significance of this variant remains unclear.